The following is an entry in ClinVar:

NM_006231.4(POLE):c.4547A>G (p.Asp1516Gly)

Gene: POLE (DNA polymerase epsilon, catalytic subunit; minus strand). Cytogenetic location: 12q24.33.
Variant type: single nucleotide variant.
Coding change: c.4547A>G on transcript NM_006231.4 (MANE Select); coding-DNA position 4547, A replaced by G.
Protein change: p.Asp1516Gly; replaces aspartic acid 1516 with glycine.
Molecular consequence: missense variant.
Genome position (GRCh38, 1-based): chr12:132,643,228, T>C on the plus strand (A>G on the coding strand, the complement: POLE is on the minus strand). VCF-style: chr12-132643228-T-C. GRCh37 (hg19) VCF-style: chr12-133219814-T-C.
Other names: short protein forms D1516G.
Identifiers: ClinVar variation 656105 (VCV000656105.12), dbSNP rs1392919520, ClinGen allele CA387380281.

ClinVar aggregate classification (germline): Uncertain significance. Review status: criteria provided, multiple submitters, no conflicts (2 of 4 stars). 2 submissions from 2 submitters: Uncertain significance (2). Last evaluated 2025-10-13.

Conditions:
Hereditary cancer-predisposing syndrome. Also called: Hereditary neoplastic syndrome; Tumor predisposition; Neoplastic Syndromes, Hereditary; Hereditary Cancer Syndrome. Identifiers: Orphanet 140162, MedGen C0027672, MeSH D009386, MONDO:0015356.

Allele frequency attached by ClinVar (database versions not stated): gnomAD 0.00001; TOPMed 0.00001; gnomAD exomes below 0.00001.
gnomAD v4.1: 5 of 1,613,168 alleles (0.00031%); highest among the groups gnomAD compares: East Asian, 0.011%; no homozygotes.

Submissions (2):

Labcorp Genetics (formerly Invitae), Labcorp
Classification: Uncertain significance. Last evaluated: 2025-10-13. Review status: criteria provided, single submitter. Criteria: Invitae Variant Classification Sherloc (09022015). Collection method: clinical testing. Allele origin: germline.
Comment: This sequence change replaces aspartic acid, which is acidic and polar, with glycine, which is neutral and non-polar, at codon 1516 of the POLE protein (p.Asp1516Gly). This variant is present in population databases (no rsID available, gnomAD 0.006%). This variant has not been reported in the literature in individuals affected with POLE-related conditions. ClinVar contains an entry for this variant (Variation ID: 656105). Invitae Evidence Modeling of protein sequence and biophysical properties (such as structural, functional, and spatial information, amino acid conservation, physicochemical variation, residue mobility, and thermodynamic stability) indicates that this missense variant is not expected to disrupt POLE protein function with a negative predictive value of 80%. In summary, the available evidence is currently insufficient to determine the role of this variant in disease. Therefore, it has been classified as a Variant of Uncertain Significance.

Ambry Genetics
Classification: Uncertain significance for Hereditary cancer-predisposing syndrome. Last evaluated: 2024-05-31. Review status: criteria provided, single submitter. Criteria: Ambry Variant Classification Scheme 2023. Collection method: clinical testing. Allele origin: germline.
Comment: The p.D1516G variant (also known as c.4547A>G), located in coding exon 35 of the POLE gene, results from an A to G substitution at nucleotide position 4547. The aspartic acid at codon 1516 is replaced by glycine, an amino acid with similar properties. This amino acid position is conserved. In addition, the in silico prediction for this alteration is inconclusive. Since supporting evidence is limited at this time, the clinical significance of this alteration remains unclear.